The following is an entry in ClinVar:

NM_000350.3(ABCA4):c.6386+4A>G

Gene: ABCA4 (ATP binding cassette subfamily A member 4; minus strand). Cytogenetic location: 1p22.1.
Variant type: single nucleotide variant.
Coding change: c.6386+4A>G on transcript NM_000350.3 (MANE Select); 4 bases into the intron after coding-DNA position 6386, A replaced by G.
Molecular consequence: intron variant.
Genome position (GRCh38, 1-based): chr1:94,000,998, T>C on the plus strand (A>G on the coding strand, the complement: ABCA4 is on the minus strand). VCF-style: chr1-94000998-T-C. GRCh37 (hg19) VCF-style: chr1-94466554-T-C.
Identifiers: ClinVar variation 2664496 (VCV002664496.3), dbSNP rs2523624439, ClinGen allele CA2695198061.
Genomic context (GRCh38, chr1:94,000,998, plus strand): 5'-AGGAGAGAGGAGGTGAGCAGGAGAGGATTCCCACCCACCTTCCCCAGCCCTGGGAATCTC[T>C]TGCCTGTGGGATGTGAGGACCACAGCCCTCCCTTCTCTGATGATGCTCACGATGACGTTC-3'

ClinVar aggregate classification (germline): Likely pathogenic (0 of 4 stars; one submission).

Conditions:
Retinitis pigmentosa 19 (RP19). Also called: ABCA4-Related Retinitis Pigmentosa. Identifiers: Orphanet 791, MedGen C1866422, MONDO:0011137, OMIM 601718.

Submission:

Wuhan Primbio Medical Laboratory
Classification: Likely pathogenic for Retinitis pigmentosa 19. Last evaluated: 2023-11-10. Review status: no assertion criteria provided. Collection method: research, in vitro. Allele origin: germline, not applicable. Affected: yes. Observed: 1 variant allele, 1 homozygote. Functional consequence: sequence_variant_affecting_splicing.
Comment: This sequence change falls in intron 46 of the ABCA4 gene. It does not directly change the encoded amino acid sequence of the ABCA4 protein. It affects a nucleotide within the donor splice site. This variant is absent in population databases (gnomAD, ExAC and 1000genomes). This variant has not been reported in the literature in individuals affected with ABCA4-related conditions. Algorithms developed to predict the effect of sequence changes on RNA splicing suggest that this variant may disrupt wild-type donor splice site (spliceAI and HSF). A minigene splicing assay showed that the wild-type plasmid yielded the expected mRNA product with exons 45, 46, and 47. However, the mutant plasmid mRNA product lacked 47 bp of exon 46 (c.6340_6386del47bp), causing a frameshift to p.Val2114Hisfs*5. This suggests that this nucleotide is clinically significant. In summary, the currently available evidence indicates that the variant is pathogenic, but additional data are needed to prove that conclusively. Therefore, this variant has been classified as Likely Pathogenic.